The following is an entry in ClinVar:

ClinVar aggregate classification (germline): Pathogenic. Review status: criteria provided, single submitter (1 of 4 stars). 2 submissions from 1 submitter: Pathogenic (1). 1 of the submissions does not count toward it. Last evaluated 2020-09-15.

Submissions (2):

GeneDx
Classification: Pathogenic. Last evaluated: 2020-09-15. Review status: criteria provided, single submitter. Criteria: GeneDx Variant Classification Process June 2021. Collection method: clinical testing. Allele origin: germline. Affected: yes.
Comment: De novo variant with confirmed parentage in a patient with features of TCF20-related disorder (Torti et al., 2019); Frameshift variant predicted to result in protein truncation or nonsense mediated decay in a gene for which loss-of-function is a known mechanism of disease; Not observed in large population cohorts (Lek et al., 2016); This variant is associated with the following publications: (PMID: 30739909)

GeneDx
Classification: Pathogenic. Last evaluated: 2018-11-14. Review status: flagged submission. Criteria: GeneDx Variant Classification (06012015). Collection method: clinical testing. Allele origin: germline. Affected: yes. Not counted in ClinVar's aggregate classification.
Comment: The c.622delC variant in the TCF20 gene has been observed in internal GeneDx whole exome sequencing data in association with developmental delay, hyperactivity, autistic features, and neurologic abnormalities. The c.622delC variant causes a frameshift starting with codon Leucine 208, changes this amino acid to a Tyrosine residue, and creates a premature Stop codon at position 19 of the new reading frame, denoted p.Leu208TyrfsX19. This variant is predicted to cause loss of normal protein function either through protein truncation or nonsense-mediated mRNA decay. The c.622delC variant is not observed in large population cohorts (Lek et al., 2016). Therefore, we interpret c.622delC as a pathogenic variant.
ClinVar note: Reason: This record appears to be redundant with a more recent record from the same submitter.
ClinVar note: Notes: SCV001167924 appears to be redundant with SCV000854584.

NM_001378418.1(TCF20):c.622del (p.Leu208fs)

Gene: TCF20 (transcription factor 20; minus strand). Cytogenetic location: 22q13.2.
Variant type: Deletion.
Coding change: c.622del on transcript NM_001378418.1 (MANE Select); coding-DNA position 622, one base deleted (C; older notation c.622delC).
Protein change: p.Leu208fs; shifts the reading frame from leucine 208.
Molecular consequence: frameshift variant.
Genome position (GRCh38, 1-based): chr22:42,214,684, G deleted on the plus strand (C on the coding strand, the reverse complement: TCF20 is on the minus strand). VCF-style (leftmost placement, unchanged base first): chr22-42214683-AG-A. GRCh37 (hg19) VCF-style: chr22-42610689-AG-A.
Other names: c.622del, p.Leu208fs (NM_005650.4, NM_181492.3); c.622delC (NM_005650.1); short protein forms L208fs.
Identifiers: ClinVar variation 599639 (VCV000599639.4), dbSNP rs1569153915, ClinGen allele CA913190667.